The following is an entry in ClinVar:

ClinVar aggregate classification (germline): Uncertain significance (1 of 4 stars; one submission).

Allele frequency attached by ClinVar (database versions not stated): TOPMed below 0.00001.

Submission:

Labcorp Genetics (formerly Invitae), Labcorp
Classification: Uncertain significance. Last evaluated: 2022-08-19. Review status: criteria provided, single submitter. Criteria: Invitae Variant Classification Sherloc (09022015). Collection method: clinical testing. Allele origin: germline.
Comment: This sequence change replaces threonine, which is neutral and polar, with alanine, which is neutral and non-polar, at codon 923 of the PDZD7 protein (p.Thr923Ala). This variant is not present in population databases (gnomAD no frequency). This variant has not been reported in the literature in individuals affected with PDZD7-related conditions. Algorithms developed to predict the effect of missense changes on protein structure and function are either unavailable or do not agree on the potential impact of this missense change (SIFT: "Deleterious"; PolyPhen-2: "Not Available"; Align-GVGD: "Class C0"). In summary, the available evidence is currently insufficient to determine the role of this variant in disease. Therefore, it has been classified as a Variant of Uncertain Significance.

NM_001195263.2(PDZD7):c.2767A>G (p.Thr923Ala)

Gene: PDZD7 (PDZ domain containing 7; minus strand). Cytogenetic location: 10q24.31.
Variant type: single nucleotide variant.
Coding change: c.2767A>G on transcript NM_001195263.2 (MANE Select); coding-DNA position 2767, A replaced by G.
Protein change: p.Thr923Ala; replaces threonine 923 with alanine.
Molecular consequence: missense variant.
Genome position (GRCh38, 1-based): chr10:101,008,802, T>C on the plus strand (A>G on the coding strand, the complement: PDZD7 is on the minus strand). VCF-style: chr10-101008802-T-C. GRCh37 (hg19) VCF-style: chr10-102768559-T-C.
Other names: short protein forms T923A.
Identifiers: ClinVar variation 1974326 (VCV001974326.5), dbSNP rs925211260, ClinGen allele CA212977392.